The following is an entry in ClinVar:

NM_000414.4(HSD17B4):c.303-3dup

Gene: HSD17B4 (hydroxysteroid 17-beta dehydrogenase 4; plus strand). Cytogenetic location: 5q23.1.
Variant type: Duplication.
Coding change: c.303-3dup on transcript NM_000414.4 (MANE Select); 3 bases into the intron before coding-DNA position 303, one base duplicated (T; older notation c.303-3dupT).
Molecular consequence: intron variant.
Genome position (GRCh38, 1-based): chr5:119,475,821, T duplicated; the last of 6 consecutive T bases (chr5:119,475,816-119,475,821); duplicating any one gives the same sequence. VCF-style (leftmost placement, unchanged base first): chr5-119475815-A-AT. GRCh37 (hg19) VCF-style: chr5-118811510-A-AT.
Other names: c.22+94dup (NM_001374499.1); c.-109-3dup (NM_001374502.1, NM_001374501.1, NM_001292028.2 and 1 more transcripts); c.-236-3dup (NM_001374500.1); c.231-3dup (NM_001292027.2); c.303-3dup (NM_001374498.1, NM_001374497.1); c.249-3dup (NM_001199292.2); c.303-3dupT (NM_000414.3); c.378-3dup (NM_001199291.3).
Identifiers: ClinVar variation 1141385 (VCV001141385.11), dbSNP rs1292554547, ClinGen allele CA562291921.
Genomic context (GRCh38, chr5:119,475,815, plus strand): 5'-ATGTGTGTATAATTTTTTTAAAAAGTATATACTTTCCTCCTTTTACCCTATACAACATTG[A>AT]TTTTTTAGAATTCTGAGGGATCGTTCCTTTGCTAGGATAAGTGATGAAGACTGGGGTAAG-3'

ClinVar aggregate classification (germline): Likely benign. Review status: criteria provided, single submitter (1 of 4 stars). 2 submissions from 2 submitters: Likely benign (1). 1 of the submissions does not count toward it. Last evaluated 2019-07-19.

Conditions:
HSD17B4-related disorder. Also called: HSD17B4-related disorders; HSD17B4-related condition.
Bifunctional peroxisomal enzyme deficiency (DBIF). Also called: PBFE DEFICIENCY; D-bifunctional protein deficiency; DBP DEFICIENCY. Identifiers: Orphanet 300, MedGen C0342870, MONDO:0009855, OMIM 261515. Disease mechanism: loss of function.
Perrault syndrome. Also called: Gonadal dysgenesis with auditory dysfunction, autosomal recessive inheritance. Identifiers: Orphanet 2855, MedGen C0685838, MONDO:0017312.

Submissions (2):

Labcorp Genetics (formerly Invitae), Labcorp
Classification: Likely benign for Perrault syndrome; Bifunctional peroxisomal enzyme deficiency. Last evaluated: 2019-07-19. Review status: criteria provided, single submitter. Criteria: Invitae Variant Classification Sherloc (09022015). Collection method: clinical testing. Allele origin: germline.

PreventionGenetics, part of Exact Sciences
Classification: Likely benign for HSD17B4-related condition. Last evaluated: 2021-03-08. Review status: no assertion criteria provided. Collection method: clinical testing. Allele origin: germline. Not counted in ClinVar's aggregate classification.
Comment: This variant is classified as likely benign based on ACMG/AMP sequence variant interpretation guidelines (Richards et al. 2015 PMID: 25741868, with internal and published modifications).